The following is an entry in ClinVar:

NM_004380.3(CREBBP):c.6734AGC[5] (p.Gln2248dup)

Gene: CREBBP (CREB binding lysine acetyltransferase; minus strand). Cytogenetic location: 16p13.3.
Variant type: Microsatellite.
Coding change: c.6734AGC[5] on transcript NM_004380.3 (MANE Select); five copies in a row of the 3-base unit AGC starting at c.6734; the reference has four copies in a row; one copy, 3 bases duplicated.
Protein change: p.Gln2248dup; duplicates glutamine 2248.
Molecular consequence: inframe insertion.
Genome position (GRCh38, 1-based): chr16:3,728,302-3,728,304, GCT duplicated on the plus strand (AGC on the coding strand, the reverse complement: CREBBP is on the minus strand); duplicating any 3 consecutive bases within chr16:3,728,302-3,728,315 gives the same sequence; the position shown is the placement nearest the transcript's 3' end. VCF-style (leftmost placement, unchanged base first): chr16-3728301-C-CGCT. GRCh37 (hg19) VCF-style: chr16-3778302-C-CGCT.
Other names: c.6620AGC[5], p.Gln2210dup (NM_001079846.1).
Identifiers: ClinVar variation 1190540 (VCV001190540.15), dbSNP rs753283086, ClinGen allele CA7869010.
Genomic context (GRCh38, chr16:3,728,301, plus strand): 5'-CCCATCTGAGCCGCCATCTGGCCCATGGAGCTGCCCTGGAGGGGGAGATGCTGCTGCATG[C>CGCT]GCTGCTGCTGCTGCATGGCCGGTGGGTAGCCTCCGGGTCCTTGAGGCTGCTGGAACTGGC-3'

ClinVar aggregate classification (germline): Conflicting classifications of pathogenicity. Review status: criteria provided, conflicting classifications (1 of 4 stars). 5 submissions from 5 submitters: Uncertain significance (1); Likely benign (3). 1 of the submissions does not count toward it. Last evaluated 2026-02-01.

Conditions:
Rubinstein-Taybi syndrome (RSTS). Identifiers: Orphanet 783, MedGen C0035934, MONDO:0019188.
Inborn genetic diseases. Identifiers: MedGen C0950123, MeSH D030342.
CREBBP-related disorder. Also called: CREBBP-related disorders; CREBBP-related condition.

Submissions (5):

CeGaT Center for Human Genetics Tuebingen
Classification: Likely benign. Last evaluated: 2026-02-01. Review status: criteria provided, single submitter. Criteria: CeGaT Center For Human Genetics Tuebingen Variant Classification Criteria Version 2. Collection method: clinical testing. Allele origin: germline. Affected: yes. Observed: 1 variant allele.
Comment: CREBBP: PM4:Supporting, BS1

Labcorp Genetics (formerly Invitae), Labcorp
Classification: Uncertain significance for Rubinstein-Taybi syndrome. Last evaluated: 2025-09-17. Review status: criteria provided, single submitter. Criteria: Invitae Variant Classification Sherloc (09022015). Collection method: clinical testing. Allele origin: germline.
Comment: This variant, c.6743_6745dup, results in the insertion of 1 amino acid(s) of the CREBBP protein (p.Gln2248dup), but otherwise preserves the integrity of the reading frame. This variant is present in population databases (rs753283086, gnomAD 0.01%). This variant has not been reported in the literature in individuals affected with CREBBP-related conditions. Experimental studies and prediction algorithms are not available or were not evaluated, and the functional significance of this variant is currently unknown. In summary, the available evidence is currently insufficient to determine the role of this variant in disease. Therefore, it has been classified as a Variant of Uncertain Significance.

GeneDx
Classification: Likely benign. Last evaluated: 2020-06-09. Review status: criteria provided, single submitter. Criteria: GeneDx Variant Classification Process June 2021. Collection method: clinical testing. Allele origin: germline. Affected: yes.
Comment: In-frame insertion in a repetitive region with no known function; Has not been previously published as pathogenic or benign to our knowledge

Ambry Genetics
Classification: Likely benign for Inborn genetic diseases. Last evaluated: 2017-06-14. Review status: criteria provided, single submitter. Criteria: Ambry Variant Classification Scheme 2023. Collection method: clinical testing. Allele origin: germline.

PreventionGenetics, part of Exact Sciences
Classification: Likely benign for CREBBP-related condition. Last evaluated: 2021-07-16. Review status: no assertion criteria provided. Collection method: clinical testing. Allele origin: germline. Not counted in ClinVar's aggregate classification.
Comment: This variant is classified as likely benign based on ACMG/AMP sequence variant interpretation guidelines (Richards et al. 2015 PMID: 25741868, with internal and published modifications).